The following is an entry in ClinVar:

ClinVar aggregate classification (germline): Uncertain significance (1 of 4 stars; one submission).

Conditions:
Agammaglobulinemia 7, autosomal recessive (AGM7). Also called: AGAMMAGLOBULINEMIA, AUTOSOMAL RECESSIVE, DUE TO PIK3R1 DEFECT. Identifiers: MedGen C3554689, MONDO:0014083, OMIM 615214.
SHORT syndrome. Also called: SHORT STATURE, HYPEREXTENSIBILITY, HERNIA, OCULAR DEPRESSION, RIEGER ANOMALY, AND TEETHING DELAY; LIPODYSTROPHY, PARTIAL, WITH RIEGER ANOMALY AND SHORT STATURE; PIK3R1-Related SHORT Syndrome. Identifiers: Orphanet 3163, MedGen C0878684, MONDO:0010026, OMIM 269880.
Immunodeficiency 36 with lymphoproliferation. Also called: Immunodeficiency 36; Activated PI3K Delta Syndrome Type 2 (APDS2); ACTIVATED PI3K-DELTA SYNDROME 2. Identifiers: Orphanet 397596, Orphanet 693681, MedGen C4014934, MONDO:0014453, OMIM 616005.

Submission:

Labcorp Genetics (formerly Invitae), Labcorp
Classification: Uncertain significance for SHORT syndrome; Immunodeficiency 36 with lymphoproliferation; Agammaglobulinemia 7, autosomal recessive. Last evaluated: 2025-09-23. Review status: criteria provided, single submitter. Criteria: Invitae Variant Classification Sherloc (09022015). Collection method: clinical testing. Allele origin: germline.
Comment: This sequence change replaces asparagine, which is neutral and polar, with aspartic acid, which is acidic and polar, at codon 325 of the PIK3R1 protein (p.Asn325Asp). This variant is not present in population databases (gnomAD no frequency). This variant has not been reported in the literature in individuals affected with PIK3R1-related conditions. Invitae Evidence Modeling of protein sequence and biophysical properties (such as structural, functional, and spatial information, amino acid conservation, physicochemical variation, residue mobility, and thermodynamic stability) indicates that this missense variant is not expected to disrupt PIK3R1 protein function with a negative predictive value of 80%. In summary, the available evidence is currently insufficient to determine the role of this variant in disease. Therefore, it has been classified as a Variant of Uncertain Significance.

NM_181523.3(PIK3R1):c.973A>G (p.Asn325Asp)

Gene: PIK3R1 (phosphoinositide-3-kinase regulatory subunit 1; plus strand). Cytogenetic location: 5q13.1.
Variant type: single nucleotide variant.
Coding change: c.973A>G on transcript NM_181523.3 (MANE Select); coding-DNA position 973, A replaced by G.
Protein change: p.Asn325Asp; replaces asparagine 325 with aspartic acid.
Molecular consequence: missense variant.
Genome position (GRCh38, 1-based): chr5:68,292,315, A>G. VCF-style: chr5-68292315-A-G. GRCh37 (hg19) VCF-style: chr5-67588143-A-G.
Other names: c.163A>G, p.Asn55Asp (NM_181504.4); c.73A>G, p.Asn25Asp (NM_181524.2); short protein forms N25D, N325D, N55D.
Identifiers: ClinVar variation 4782569 (VCV004782569.1).
Genomic context (GRCh38, chr5:68,292,315, plus strand): 5'-GCAGCACTGCCTCCTAAACCACCAAAACCTACTACTGTAGCCAACAACGGTATGAATAAC[A>G]ATATGTCCTTACAAGATGCTGAATGGTACTGGGGAGATATCTCGAGGTAAGGCTACAGAA-3'
Protein context (NP_852664.1, residues 315-335): TTVANNGMNN[Asn325Asp]MSLQDAEWYW